The following is an entry in ClinVar:

NM_001242896.3(DEPDC5):c.4042G>A (p.Val1348Ile)

Gene: DEPDC5 (DEP domain containing 5, GATOR1 subcomplex subunit; plus strand). Cytogenetic location: 22q12.3.
Variant type: single nucleotide variant.
Coding change: c.4042G>A on transcript NM_001242896.3 (MANE Select); coding-DNA position 4042, G replaced by A.
Protein change: p.Val1348Ile; replaces valine 1348 with isoleucine.
Molecular consequence: missense variant. On other transcripts: non-coding transcript variant (5).
Genome position (GRCh38, 1-based): chr22:31,893,590, G>A. VCF-style: chr22-31893590-G-A. GRCh37 (hg19) VCF-style: chr22-32289576-G-A.
Other names: c.4015G>A, p.Val1339Ile (NM_001136029.4); c.3742G>A, p.Val1248Ile (NM_001242897.2); c.3976G>A, p.Val1326Ile (NM_001363852.2, NM_001364320.2); c.3808G>A, p.Val1270Ile (NM_001363854.2, NM_001364319.2); c.4042G>A, p.Val1348Ile (NM_001364318.2); c.3958G>A, p.Val1320Ile (NM_001369901.1, NM_001369902.1); c.3949G>A, p.Val1317Ile (NM_001369903.1, NM_014662.6); short protein forms V1320I, V1248I, V1348I, V1270I, V1339I, V1317I, V1326I.
Identifiers: ClinVar variation 1419887 (VCV001419887.31), dbSNP rs1380088913, ClinGen allele CA411286570.
Genomic context (GRCh38, chr22:31,893,590, plus strand): 5'-CATCCCACTCCTTTTCTCACTCTCTTGGGGCCCCTCCTGTGTGCTGACATAGCTGCCACT[G>A]TCCCAGAGCAGAGGACTGTGACCCTGGATGTTGACGTGAACAACCGCACAGACCGGCTGG-3'
Protein context (NP_001229825.1, residues 1338-1358): SQAAALLAAT[Val1348Ile]PEQRTVTLDV

ClinVar aggregate classification (germline): Uncertain significance. Review status: criteria provided, multiple submitters, no conflicts (2 of 4 stars). 3 submissions from 3 submitters: Uncertain significance (3). Last evaluated 2024-01-01.

Conditions:
Developmental and epileptic encephalopathy 111 (DEE111). Identifiers: MedGen C5882690, MONDO:0957780, OMIM 620504.
Epilepsy, familial focal, with variable foci 1 (FFEVF1). Also called: DEPDC5-Related Epilepsy. Identifiers: MedGen C4551983, MONDO:0024556, OMIM 604364.
Familial focal epilepsy with variable foci (FPEVF). Identifiers: Orphanet 98820, MedGen C1858477, MONDO:0020310.

Allele frequency attached by ClinVar (database versions not stated): TOPMed 0.00001.
gnomAD v4.1: 1 of 1,605,996 alleles (0.000062%); no homozygotes.

Submissions (3):

CeGaT Center for Human Genetics Tuebingen
Classification: Uncertain significance. Last evaluated: 2024-01-01. Review status: criteria provided, single submitter. Criteria: CeGaT Center For Human Genetics Tuebingen Variant Classification Criteria Version 2. Collection method: clinical testing. Allele origin: germline. Affected: yes. Observed: 1 variant allele.
Comment: DEPDC5: PM2, PP2

Labcorp Genetics (formerly Invitae), Labcorp
Classification: Uncertain significance for Familial focal epilepsy with variable foci. Last evaluated: 2021-05-29. Review status: criteria provided, single submitter. Criteria: Invitae Variant Classification Sherloc (09022015). Collection method: clinical testing. Allele origin: germline.
Comment: In summary, the available evidence is currently insufficient to determine the role of this variant in disease. Therefore, it has been classified as a Variant of Uncertain Significance. Algorithms developed to predict the effect of missense changes on protein structure and function are either unavailable or do not agree on the potential impact of this missense change (SIFT: "Tolerated"; PolyPhen-2: "Not Available"; Align-GVGD: "Class C0"). This variant has not been reported in the literature in individuals with DEPDC5-related conditions. This variant is not present in population databases (ExAC no frequency). This sequence change replaces valine with isoleucine at codon 1348 of the DEPDC5 protein (p.Val1348Ile). The valine residue is highly conserved and there is a small physicochemical difference between valine and isoleucine.

Juno Genomics, Hangzhou Juno Genomics, Inc
Classification: Uncertain significance for Developmental and epileptic encephalopathy 111; Epilepsy, familial focal, with variable foci 1. Review status: criteria provided, single submitter. Criteria: ACMG Guidelines, 2015. Collection method: clinical testing. Allele origin: germline.
Comment: Absent from controls (or at extremely low frequency if recessive) in Genome Aggregation Database.;Missense variant in a gene that has a low rate of benign missense variation.